The following is an entry in ClinVar:

NM_152416.4(NDUFAF6):c.600del (p.Asp201fs)

Gene: NDUFAF6 (NADH:ubiquinone oxidoreductase complex assembly factor 6; plus strand). Cytogenetic location: 8q22.1.
Variant type: Deletion.
Coding change: c.600del on transcript NM_152416.4 (MANE Select); coding-DNA position 600, one base deleted (A; older notation c.600delA).
Protein change: p.Asp201fs; shifts the reading frame from aspartic acid 201.
Molecular consequence: frameshift variant. On other transcripts: non-coding transcript variant (5).
Genome position (GRCh38, 1-based): chr8:95,047,013, A deleted. VCF-style (leftmost placement, unchanged base first): chr8-95047012-CA-C. GRCh37 (hg19) VCF-style: chr8-96059240-CA-C.
Other names: c.324del, p.Asp109fs (NM_001330582.2, NM_001354514.2, NM_001354515.2 and 1 more transcripts); c.444del, p.Asp149fs (NM_001354516.2); c.267del, p.Asp90fs (NM_001354517.2, NM_001354518.2, NM_001354519.2 and 1 more transcripts); c.144del, p.Asp49fs (NM_001354522.2, NM_001354524.2, NM_001354525.2 and 7 more transcripts); short protein forms D201fs, D90fs, D109fs, D149fs, D49fs.
Identifiers: ClinVar variation 422361 (VCV000422361.2), dbSNP rs758181982, ClinGen allele CA4814858.

ClinVar aggregate classification (germline): Likely pathogenic (1 of 4 stars; one submission).

Allele frequency attached by ClinVar (database versions not stated): gnomAD exomes below 0.00001; ExAC 0.00001.

Submission:

GeneDx
Classification: Likely pathogenic. Last evaluated: 2016-10-17. Review status: criteria provided, single submitter. Criteria: GeneDx Variant Classification (06012015). Collection method: clinical testing. Allele origin: germline. Affected: yes.
Comment: The c.600delA variant in the NDUFAF6 gene causes a frameshift starting with codon Aspartic acid 201, changes this amino acid to an Isoleucine residue and creates a premature Stop codon at position 17 of the new reading frame, denoted p.Asp201IlefsX17. This variant is predicted to cause loss of normal protein function either through protein truncation or nonsense-mediated mRNA decay. Although this variant has not been previously reported to our knowledge, it is likely to be a pathogenic variant.